The following is an entry in ClinVar:

ClinVar aggregate classification (germline): Benign (1 of 4 stars; one submission).

Conditions:
Familial cancer of breast. Also called: hereditary breast carcinoma; Hereditary breast cancer; BREAST CANCER, FAMILIAL. Identifiers: Orphanet 227535, MedGen C0346153, MONDO:0016419, OMIM 114480. Disease mechanism: loss of function.

Submission:

Myriad Genetics, Inc.
Classification: Benign for Familial cancer of breast. Last evaluated: 2024-08-26. Review status: criteria provided, single submitter. Criteria: Myriad Autosomal Dominant, Autosomal Recessive and X-Linked Classification Criteria (2023). Collection method: clinical testing. Allele origin: unknown.
Comment: This variant is considered benign. This variant is a silent/synonymous amino acid change and it is not expected to impact splicing.

NM_032043.3(BRIP1):c.1248G>A (p.Arg416=)

Gene: BRIP1 (BRCA1 interacting DNA helicase 1; minus strand). Cytogenetic location: 17q23.2.
Variant type: single nucleotide variant.
Coding change: c.1248G>A on transcript NM_032043.3 (MANE Select); coding-DNA position 1248, G replaced by A.
Protein change: p.Arg416=; no amino-acid change (arginine 416 retained).
Molecular consequence: synonymous variant.
Genome position (GRCh38, 1-based): chr17:61,799,192, C>T on the plus strand (G>A on the coding strand, the complement: BRIP1 is on the minus strand). VCF-style: chr17-61799192-C-T. GRCh37 (hg19) VCF-style: chr17-59876553-C-T.
Identifiers: ClinVar variation 3379317 (VCV003379317.1).